The following is an entry in ClinVar:

ClinVar aggregate classification (germline): Uncertain significance (1 of 4 stars; one submission).

Conditions:
Primary ciliary dyskinesia. Also called: Ciliary dyskinesia. Identifiers: Orphanet 244, MedGen C0008780, MONDO:0016575, HP:0012265.

Allele frequency attached by ClinVar (database versions not stated): gnomAD exomes below 0.00001; TOPMed below 0.00001; gnomAD 0.00001.
gnomAD v4.1: 2 of 1,613,814 alleles (0.00012%); highest among the groups gnomAD compares: Non-Finnish European, 0.00017%; no homozygotes.

Submission:

Labcorp Genetics (formerly Invitae), Labcorp
Classification: Uncertain significance for Primary ciliary dyskinesia. Last evaluated: 2021-11-15. Review status: criteria provided, single submitter. Criteria: Invitae Variant Classification Sherloc (09022015). Collection method: clinical testing. Allele origin: germline.
Comment: This sequence change replaces leucine, which is neutral and non-polar, with phenylalanine, which is neutral and non-polar, at codon 514 of the DRC1 protein (p.Leu514Phe). Algorithms developed to predict the effect of missense changes on protein structure and function are either unavailable or do not agree on the potential impact of this missense change (SIFT: "Tolerated"; PolyPhen-2: "Probably Damaging"; Align-GVGD: "Class C0"). This variant has not been reported in the literature in individuals affected with DRC1-related conditions. This variant is not present in population databases (gnomAD no frequency). In summary, the available evidence is currently insufficient to determine the role of this variant in disease. Therefore, it has been classified as a Variant of Uncertain Significance.

NM_145038.5(DRC1):c.1540C>T (p.Leu514Phe)

Gene: DRC1 (dynein regulatory complex subunit 1; plus strand). Cytogenetic location: 2p23.3.
Variant type: single nucleotide variant.
Coding change: c.1540C>T on transcript NM_145038.5 (MANE Select); coding-DNA position 1540, C replaced by T.
Protein change: p.Leu514Phe; replaces leucine 514 with phenylalanine.
Molecular consequence: missense variant.
Genome position (GRCh38, 1-based): chr2:26,450,026, C>T. VCF-style: chr2-26450026-C-T. GRCh37 (hg19) VCF-style: chr2-26672894-C-T.
Other names: short protein forms L514F.
Identifiers: ClinVar variation 1350777 (VCV001350777.6), dbSNP rs1663961136, ClinGen allele CA346115556.